The following is an entry in ClinVar:

NM_014669.5(NUP93):c.1985G>A (p.Arg662Lys)

Gene: NUP93 (nucleoporin 93; plus strand). Cytogenetic location: 16q13.
Variant type: single nucleotide variant.
Coding change: c.1985G>A on transcript NM_014669.5 (MANE Select); coding-DNA position 1985, G replaced by A.
Protein change: p.Arg662Lys; replaces arginine 662 with lysine.
Molecular consequence: missense variant.
Genome position (GRCh38, 1-based): chr16:56,837,693, G>A. VCF-style: chr16-56837693-G-A. GRCh37 (hg19) VCF-style: chr16-56871605-G-A.
Other names: c.1616G>A, p.Arg539Lys (NM_001242795.2, NM_001242796.2); short protein forms R539K, R662K.
Identifiers: ClinVar variation 1321681 (VCV001321681.4), dbSNP rs561638940, ClinGen allele CA8068603.

ClinVar aggregate classification (germline): Uncertain significance. Review status: criteria provided, multiple submitters, no conflicts (2 of 4 stars). 3 submissions from 3 submitters: Uncertain significance (2). 1 of the submissions does not count toward it. Last evaluated 2021-07-09.

Conditions:
NUP93-related disorder. Also called: NUP93-related condition.
Nephrotic syndrome, type 12 (NPHS12). Identifiers: Orphanet 656, MedGen C4225166, MONDO:0014817, OMIM 616892.

Allele frequency attached by ClinVar (database versions not stated): gnomAD 0.00001 and 0.00003; ExAC 0.00003; gnomAD exomes 0.00003 and 0.00008; TOPMed 0.00004.
gnomAD v4.1: 58 of 1,614,130 alleles (0.0036%); highest among the groups gnomAD compares: East Asian, 0.051%; no homozygotes.

Submissions (3):

Fulgent Genetics
Classification: Uncertain significance for Nephrotic syndrome, type 12. Last evaluated: 2021-07-09. Review status: criteria provided, single submitter. Criteria: ACMG Guidelines, 2015. Collection method: clinical testing. Allele origin: unknown.

GeneDx
Classification: Uncertain significance. Last evaluated: 2021-05-14. Review status: criteria provided, single submitter. Criteria: GeneDx Variant Classification Process June 2021. Collection method: clinical testing. Allele origin: germline. Affected: yes.

PreventionGenetics, part of Exact Sciences
Classification: Uncertain significance for NUP93-related condition. Last evaluated: 2024-03-25. Review status: no assertion criteria provided. Collection method: clinical testing. Allele origin: germline. Not counted in ClinVar's aggregate classification.
Comment: The NUP93 c.1985G>A variant is predicted to result in the amino acid substitution p.Arg662Lys. To our knowledge, this variant has not been reported in the literature. This variant is reported in 0.065% of alleles in individuals of East Asian descent in gnomAD. Although we suspect that this variant may be benign, at this time, the clinical significance of this variant is uncertain due to the absence of conclusive functional and genetic evidence.